The following is an entry in ClinVar:

NM_001710.6(CFB):c.485-14T>A

Gene: CFB (complement factor B; plus strand). Cytogenetic location: 6p21.33.
Variant type: single nucleotide variant.
Coding change: c.485-14T>A on transcript NM_001710.6 (MANE Select); 14 bases into the intron before coding-DNA position 485, T replaced by A.
Molecular consequence: intron variant.
Genome position (GRCh38, 1-based): chr6:31,947,334, T>A. VCF-style: chr6-31947334-T-A. GRCh37 (hg19) VCF-style: chr6-31915111-T-A.
Identifiers: ClinVar variation 4711108 (VCV004711108.1).

ClinVar aggregate classification (germline): Uncertain significance (1 of 4 stars; one submission).

gnomAD v4.1: 2 of 1,612,708 alleles (0.00012%); highest among the groups gnomAD compares: African/African-American, 0.0027%; no homozygotes.

Submission:

Labcorp Genetics (formerly Invitae), Labcorp
Classification: Uncertain significance. Last evaluated: 2025-08-03. Review status: criteria provided, single submitter. Criteria: Invitae Variant Classification Sherloc (09022015). Collection method: clinical testing. Allele origin: germline.
Comment: This sequence change falls in intron 3 of the CFB gene. It does not directly change the encoded amino acid sequence of the CFB protein. This variant is not present in population databases (gnomAD no frequency). This variant has not been reported in the literature in individuals affected with CFB-related conditions. Algorithms developed to predict the effect of sequence changes on RNA splicing suggest that this variant may disrupt the consensus splice site. In summary, the available evidence is currently insufficient to determine the role of this variant in disease. Therefore, it has been classified as a Variant of Uncertain Significance.